The following is an entry in ClinVar:

NM_001171613.2(PREPL):c.76-1G>C

Gene: PREPL (prolyl endopeptidase like; minus strand). Cytogenetic location: 2p21.
Variant type: single nucleotide variant.
Coding change: c.76-1G>C on transcript NM_001171613.2 (MANE Select); the canonical splice acceptor site of the intron before coding-DNA position 76, G replaced by C.
Molecular consequence: splice acceptor variant.
Genome position (GRCh38, 1-based): chr2:44,344,587, C>G on the plus strand (G>C on the coding strand, the complement: PREPL is on the minus strand). VCF-style: chr2-44344587-C-G. GRCh37 (hg19) VCF-style: chr2-44571726-C-G.
Other names: c.76-1G>C (NM_001171617.1, NM_001374277.1); c.343-1G>C (NM_001171603.1, NM_001374275.1, NM_001374276.1 and 4 more transcripts).
Identifiers: ClinVar variation 3252822 (VCV003252822.1), dbSNP rs371845821.
Genomic context (GRCh38, chr2:44,344,587, plus strand): 5'-ATCTTTGGAACGAACCAAGCAACAACCTTCTTGGTAATAAACAAAACCACCATGTTTAAC[C>G]TGACAAAAGAAACATGCAGTTTACTTAATAATAATTTAATTAACCTTTTCATAGTCTGAC-3'

ClinVar aggregate classification (germline): Pathogenic (1 of 4 stars; one submission).

Allele frequency attached by ClinVar (database versions not stated): ExAC 0.00001; gnomAD 0.00001; TOPMed 0.00002; ESP Exome Variant Server 0.00008.
gnomAD v4.1: 5 of 1,594,758 alleles (0.00031%); highest among the groups gnomAD compares: African/African-American, 0.0013%; no homozygotes.

Submission:

GeneDx
Classification: Pathogenic. Last evaluated: 2023-11-10. Review status: criteria provided, single submitter. Criteria: GeneDx Variant Classification Process June 2021. Collection method: clinical testing. Allele origin: germline. Affected: yes.
Comment: Canonical splice site variant predicted to result in a null allele in a gene for which loss-of-function is a known mechanism of disease; Not observed at a significant frequency in large population cohorts (gnomAD); Has not been previously published as pathogenic or benign to our knowledge.